The following is an entry in ClinVar:

ClinVar aggregate classification (germline): Uncertain significance (1 of 4 stars; one submission).

Submission:

Labcorp Genetics (formerly Invitae), Labcorp
Classification: Uncertain significance. Last evaluated: 2025-04-16. Review status: criteria provided, single submitter. Criteria: Invitae Variant Classification Sherloc (09022015). Collection method: clinical testing. Allele origin: germline.
Comment: This sequence change falls in intron 2 of the CFH gene. It does not directly change the encoded amino acid sequence of the CFH protein. This variant is present in population databases (no rsID available, gnomAD no frequency). This variant has not been reported in the literature in individuals affected with CFH-related conditions. Algorithms developed to predict the effect of sequence changes on RNA splicing suggest that this variant may disrupt the consensus splice site. In summary, the available evidence is currently insufficient to determine the role of this variant in disease. Therefore, it has been classified as a Variant of Uncertain Significance.

NM_000186.4(CFH):c.245-5T>C

Gene: CFH (complement factor H; plus strand). Cytogenetic location: 1q31.3.
Variant type: single nucleotide variant.
Coding change: c.245-5T>C on transcript NM_000186.4 (MANE Select); 5 bases into the intron before coding-DNA position 245, T replaced by C.
Molecular consequence: intron variant.
Genome position (GRCh38, 1-based): chr1:196,673,852, T>C. VCF-style: chr1-196673852-T-C. GRCh37 (hg19) VCF-style: chr1-196642982-T-C.
Other names: c.245-5T>C (NM_001014975.3).
Identifiers: ClinVar variation 4739916 (VCV004739916.1).